The following is an entry in ClinVar:

ClinVar aggregate classification (germline): Likely benign. Review status: criteria provided, multiple submitters, no conflicts (2 of 4 stars). 2 submissions from 2 submitters: Likely benign (2). Last evaluated 2025-11-01.

Allele frequency attached by ClinVar (database versions not stated): TOPMed below 0.00001; gnomAD 0.00001.
gnomAD v4.1: 1 of 1,614,016 alleles (0.000062%); highest among the groups gnomAD compares: Admixed American, 0.0017%; no homozygotes.

Submissions (2):

CeGaT Center for Human Genetics Tuebingen
Classification: Likely benign. Last evaluated: 2025-11-01. Review status: criteria provided, single submitter. Criteria: CeGaT Center For Human Genetics Tuebingen Variant Classification Criteria Version 2. Collection method: clinical testing. Allele origin: germline. Affected: yes. Observed: 2 variant alleles.
Comment: ZMIZ1: BP4, BP7

Labcorp Genetics (formerly Invitae), Labcorp
Classification: Likely benign. Last evaluated: 2025-09-27. Review status: criteria provided, single submitter. Criteria: Invitae Variant Classification Sherloc (09022015). Collection method: clinical testing. Allele origin: germline.

NM_020338.4(ZMIZ1):c.75T>G (p.Pro25=)

Gene: ZMIZ1 (zinc finger MIZ-type containing 1; plus strand). Cytogenetic location: 10q22.3.
Variant type: single nucleotide variant.
Coding change: c.75T>G on transcript NM_020338.4 (MANE Select); coding-DNA position 75, T replaced by G.
Protein change: p.Pro25=; no amino-acid change (proline 25 retained).
Molecular consequence: synonymous variant.
Genome position (GRCh38, 1-based): chr10:79,208,350, T>G. VCF-style: chr10-79208350-T-G. GRCh37 (hg19) VCF-style: chr10-80968107-T-G.
Identifiers: ClinVar variation 2872239 (VCV002872239.9), dbSNP rs1848414242, ClinGen allele CA470564023.